The following is an entry in ClinVar:

ClinVar aggregate classification (germline): Conflicting classifications of pathogenicity. Review status: criteria provided, conflicting classifications (1 of 4 stars). 2 submissions from 2 submitters: Likely pathogenic (1); Uncertain significance (1). Last evaluated 2025-11-07.

Submissions (2):

Women's Health and Genetics/Laboratory Corporation of America, LabCorp
Classification: Uncertain significance. Last evaluated: 2025-11-07. Review status: criteria provided, single submitter. Criteria: LabCorp Variant Classification Summary - May 2015. Collection method: clinical testing. Allele origin: germline.
Comment: Variant summary: DNA2 c.186_187delTG (p.Cys62X) results in a premature termination codon, predicted to cause a truncation of the encoded protein or absence of the protein due to nonsense mediated decay, however current evidence is not sufficient to establish loss of function as a mechanism for disease. The variant allele was found at a frequency of 4e-06 in 249028 control chromosomes. The available data on variant occurrences in the general population are insufficient to allow any conclusion about variant significance. To our knowledge, no occurrence of c.186_187delTG in individuals affected with DNA2-related conditions and no experimental evidence demonstrating its impact on protein function have been reported. ClinVar contains an entry for this variant (Variation ID: 424950). Based on the evidence outlined above, the variant was classified as uncertain significance.

CeGaT Center for Human Genetics Tuebingen
Classification: Likely pathogenic. Last evaluated: 2017-05-01. Review status: criteria provided, single submitter. Criteria: CeGaT Center For Human Genetics Tuebingen Variant Classification Criteria Version 2. Collection method: clinical testing. Allele origin: germline. Affected: yes. Observed: 1 variant allele.

NM_001080449.3(DNA2):c.186_187del (p.Cys62_Glu63delinsTer)

Gene: DNA2 (DNA replication helicase/nuclease 2; minus strand). Cytogenetic location: 10q21.3.
Variant type: Microsatellite.
Coding change: c.186_187del on transcript NM_001080449.3 (MANE Select); coding-DNA positions 186 to 187, 2 bases deleted (TG; older notation c.186_187delTG).
Protein change: p.Cys62_Glu63delinsTer.
Molecular consequence: nonsense. On other transcripts: non-coding transcript variant (1).
Genome position (GRCh38, 1-based): chr10:68,470,051-68,470,052, CA deleted on the plus strand (TG on the coding strand, the reverse complement: DNA2 is on the minus strand); deleting any 2 consecutive bases within chr10:68,470,051-68,470,054 gives the same sequence; the c. name uses the placement nearest the transcript's 3' end. VCF-style (leftmost placement, unchanged base first): chr10-68470050-TCA-T. GRCh37 (hg19) VCF-style: chr10-70229807-TCA-T.
Other names: c.186_187delTG (NM_001080449.3).
Identifiers: ClinVar variation 424950 (VCV000424950.43), dbSNP rs777604935, ClinGen allele CA5525360.
Genomic context (GRCh38, chr10:68,470,050, plus strand): 5'-CTAAGGATGCATAGTTCTTTATTTTCTAGTGACTGTGAAGCAGTGATGACCAGGCGCTTT[TCA>T]CAGTTTCCCTCTTTGTTCTGTACAGTATTGACTGCCAACACCAGGTACCGGTTATCCATT-3'